The following is an entry in ClinVar:

NM_004656.4(BAP1):c.170G>C (p.Arg57Pro)

Gene: BAP1 (BRCA1 associated deubiquitinase 1; minus strand). Cytogenetic location: 3p21.1.
Variant type: single nucleotide variant.
Coding change: c.170G>C on transcript NM_004656.4 (MANE Select); coding-DNA position 170, G replaced by C.
Protein change: p.Arg57Pro; replaces arginine 57 with proline.
Molecular consequence: missense variant.
Genome position (GRCh38, 1-based): chr3:52,408,559, C>G on the plus strand (G>C on the coding strand, the complement: BAP1 is on the minus strand). VCF-style: chr3-52408559-C-G. GRCh37 (hg19) VCF-style: chr3-52442575-C-G.
Other names: c.170G>C, p.Arg57Pro (NM_001410772.1); short protein forms R57P.
Identifiers: ClinVar variation 4882191 (VCV004882191.2).

ClinVar aggregate classification (germline): Uncertain significance (1 of 4 stars; one submission).

Submission:

Dasa
Classification: Uncertain significance. Last evaluated: 2025-07-03. Review status: criteria provided, single submitter. Criteria: DASA Assertion Criteria. Collection method: clinical testing. Allele origin: germline.
Comment: NM_004656.4(BAP1):c.170G>C (p.Arg57Pro) is a missense variant that results in the substitution of arginine with proline. This variant is absent from population databases. The currently available literature and clinical evidence are not sufficient to establish a definitive association between this variant and the reported condition. Therefore, this variant is classified as a variant of uncertain significance.